The following is an entry in ClinVar:

ClinVar aggregate classification (germline): Uncertain significance (1 of 4 stars; one submission).

Conditions:
Generalized epilepsy with febrile seizures plus, type 7 (GEFSP7). Also called: GEFS+, TYPE 7. Identifiers: Orphanet 36387, MedGen C2751778, MONDO:0013470, OMIM 613863.
Neuropathy, hereditary sensory and autonomic, type 2A (HSAN2A). Also called: HSAN IIA; ACROOSTEOLYSIS, GIACCAI TYPE; ACROOSTEOLYSIS, NEUROGENIC; MORVAN DISEASE; NEUROPATHY, CONGENITAL SENSORY; NEUROPATHY, HEREDITARY SENSORY RADICULAR, AUTOSOMAL RECESSIVE. Identifiers: Orphanet 970, MedGen C2752089, MONDO:0024309, OMIM 201300.

Allele frequency attached by ClinVar (database versions not stated): gnomAD exomes below 0.00001.
gnomAD v4.1: 1 of 1,588,480 alleles (0.000063%); highest among the groups gnomAD compares: Non-Finnish European, 0.000086%; no homozygotes.

Submission:

Labcorp Genetics (formerly Invitae), Labcorp
Classification: Uncertain significance for Neuropathy, hereditary sensory and autonomic, type 2A; Generalized epilepsy with febrile seizures plus, type 7. Last evaluated: 2019-04-05. Review status: criteria provided, single submitter. Criteria: Invitae Variant Classification Sherloc (09022015). Collection method: clinical testing. Allele origin: germline.
Comment: In summary, the available evidence is currently insufficient to determine the role of this variant in disease. Therefore, it has been classified as a Variant of Uncertain Significance. Algorithms developed to predict the effect of missense changes on protein structure and function are either unavailable or do not agree on the potential impact of this missense change (SIFT: "Deleterious"; PolyPhen-2: "Benign"; Align-GVGD: "Class C15"). This variant has not been reported in the literature in individuals with SCN9A-related disease. This variant is not present in population databases (ExAC no frequency). This sequence change replaces methionine with valine at codon 757 of the SCN9A protein (p.Met757Val). The methionine residue is highly conserved and there is a small physicochemical difference between methionine and valine.

NM_001365536.1(SCN9A):c.2302A>G (p.Met768Val)

Genes: SCN1A-AS1 (SCN1A and SCN9A antisense RNA 1; plus strand), SCN9A (sodium voltage-gated channel alpha subunit 9; minus strand). Cytogenetic location: 2q24.3.
Variant type: single nucleotide variant.
Coding change: c.2302A>G on transcript NM_001365536.1 (MANE Select); coding-DNA position 2302, A replaced by G.
Protein change: p.Met768Val; replaces methionine 768 with valine.
Molecular consequence: missense variant.
Genome position (GRCh38, 1-based): chr2:166,280,398, T>C on the plus strand (A>G on the coding strand, the complement: SCN9A is on the minus strand). VCF-style: chr2-166280398-T-C. GRCh37 (hg19) VCF-style: chr2-167136908-T-C.
Other names: c.2269A>G, p.Met757Val (NM_002977.4); short protein forms M768V, M757V.
Identifiers: ClinVar variation 642682 (VCV000642682.11), dbSNP rs1574856821, ClinGen allele CA349079509.